The following is an entry in ClinVar:

NM_000492.4(CFTR):c.2851A>G (p.Lys951Glu)

Gene: CFTR (CF transmembrane conductance regulator; plus strand). Cytogenetic location: 7q31.2.
Variant type: single nucleotide variant.
Coding change: c.2851A>G on transcript NM_000492.4 (MANE Select); coding-DNA position 2851, A replaced by G.
Protein change: p.Lys951Glu; replaces lysine 951 with glutamic acid.
Molecular consequence: missense variant.
Genome position (GRCh38, 1-based): chr7:117,603,725, A>G. VCF-style: chr7-117603725-A-G. GRCh37 (hg19) VCF-style: chr7-117243779-A-G.
Other names: short protein forms K951E.
Identifiers: ClinVar variation 2498346 (VCV002498346.3), dbSNP rs181137679, ClinGen allele CA4451299.

ClinVar aggregate classification (germline): Uncertain significance. Review status: criteria provided, multiple submitters, no conflicts (2 of 4 stars). 3 submissions from 3 submitters: Uncertain significance (3). Last evaluated 2025-12-19.

Conditions:
Cystic fibrosis (CF). Also called: MUCOVISCIDOSIS. Identifiers: Orphanet 586, MedGen C0010674, MONDO:0009061, OMIM 219700. Disease mechanism: loss of function.

Allele frequency attached by ClinVar (database versions not stated): 1000 Genomes Project 30x 0.00016; gnomAD 0.00007; ExAC 0.00002; TOPMed 0.00002; 1000 Genomes Project 0.00020.
gnomAD v4.1: 16 of 1,614,070 alleles (0.00099%); highest among the groups gnomAD compares: African/African-American, 0.02%; no homozygotes.

Submissions (3):

Women's Health and Genetics/Laboratory Corporation of America, LabCorp
Classification: Uncertain significance. Last evaluated: 2025-12-19. Review status: criteria provided, single submitter. Criteria: LabCorp Variant Classification Summary - May 2015. Collection method: clinical testing. Allele origin: germline.
Comment: Variant summary: CFTR c.2851A>G (p.Lys951Glu) results in a conservative amino acid change in the encoded protein sequence. Algorithms developed to predict the effect of missense changes on protein structure and function are either unavailable or do not agree on the potential impact of this missense change. The variant allele was found at a frequency of 8e-06 in 251372 control chromosomes. c.2851A>G has been observed in a fetus with hyperechogenic bowel who appeared to be asymptomatic at birth after neonatal screening, and it has been reported as a VUS in a homozygous asymptommatic individual in the CFTR-France database (Marion_2015, Claustres_HM_2017). These reports do not provide unequivocal conclusions about association of the variant with Cystic Fibrosis or other CFTR-related disorders. At least one publication reports experimental evidence evaluating an impact on protein function. The most pronounced variant effect resulted in approximately 42% of normal chloride channel conductance relative to wild type (Bihler_2024). The following publications have been ascertained in the context of this evaluation (PMID: 38388235, 28603918, 25443471). ClinVar contains an entry for this variant (Variation ID: 2498346). Based on the evidence outlined above, the variant was classified as VUS-possibly pathogenic.

Ambry Genetics
Classification: Uncertain significance for Cystic fibrosis. Last evaluated: 2023-10-26. Review status: criteria provided, single submitter. Criteria: Ambry Variant Classification Scheme 2023. Collection method: clinical testing. Allele origin: germline.
Comment: The p.K951E variant (also known as c.2851A>G), located in coding exon 17 of the CFTR gene, results from an A to G substitution at nucleotide position 2851. The lysine at codon 951 is replaced by glutamic acid, an amino acid with similar properties. This alteration is included in CFTR-France, a database that includes CFTR genotypes from 4615 individuals affected with CF, CF related disease, suspected CF, or CF carriers; this variant is classified as a VUS in this database (Claustres M et al. Hum Mutat, 2017 Oct;38:1297-1315). This alteration was also observed in a fetus with hyperechoic bowel who appeared to be asymptomatic at birth after neonatal screening (Marion H et al. J Cyst Fibros, 2015 May;14:305-9). This amino acid position is well conserved in available vertebrate species. In addition, the in silico prediction for this alteration is inconclusive. Since supporting evidence is limited at this time, the clinical significance of this alteration remains unclear.

Department of Human Genetics, Hannover Medical School
Classification: Uncertain significance for Cystic fibrosis. Last evaluated: 2023-04-18. Review status: criteria provided, single submitter. Criteria: ACMG Guidelines, 2015. Collection method: clinical testing. Allele origin: germline. Affected: yes.
Comment: In the CFTR-France database, this missense variant is also evaluated as a VUS, but it is not listed in other variant databases. In the population database gnomAD, the variant is listed in the African population (allele frequencies: AFR 0.028%, ALL 0.0025%). An in silico analysis of this change using the programme REVEL did not show a clear result. In the literature, the variant was reported in a patient with COPD (PMID 34996830) and in a fetus with hyperechogenic intestine and another CFTR variant (p.(Gly622Asp), variant with different clinical consequences according to the CFTR2 database) (PMID 25443471). A conclusive evaluation of the variant is currently not possible on the basis of the available data.

Literature cited by the submitters: PubMed 25443471 (cited by Women's Health and Genetics/Laboratory Corporation of America, LabCorp and Ambry Genetics); PubMed 28603918 (cited by Women's Health and Genetics/Laboratory Corporation of America, LabCorp and Ambry Genetics); PubMed 38388235 (cited by Women's Health and Genetics/Laboratory Corporation of America, LabCorp).